The following is an entry in ClinVar:

NM_001366145.2(TRPM3):c.3428G>A (p.Arg1143Lys)

Gene: TRPM3 (transient receptor potential cation channel subfamily M member 3; minus strand). Cytogenetic location: 9q21.12.
Variant type: single nucleotide variant.
Coding change: c.3428G>A on transcript NM_001366145.2 (MANE Select); coding-DNA position 3428, G replaced by A.
Protein change: p.Arg1143Lys; replaces arginine 1143 with lysine.
Molecular consequence: missense variant.
Genome position (GRCh38, 1-based): chr9:70,552,990, C>T on the plus strand (G>A on the coding strand, the complement: TRPM3 is on the minus strand). VCF-style: chr9-70552990-C-T. GRCh37 (hg19) VCF-style: chr9-73167906-C-T.
Other names: c.3392G>A, p.Arg1131Lys (NM_001007471.4, NM_001366151.2); c.3398G>A, p.Arg1133Lys (NM_001366141.2, NM_001366143.2, NM_001366149.2); c.3434G>A, p.Arg1145Lys (NM_001366142.2); c.3428G>A, p.Arg1143Lys (NM_001366146.2); c.3503G>A, p.Arg1168Lys (NM_001366147.2, NM_001366152.2); c.3473G>A, p.Arg1158Lys (NM_001366148.2); c.3362G>A, p.Arg1121Lys (NM_001366150.2); c.2969G>A, p.Arg990Lys (NM_001366154.2, NM_024971.7); and 5 more; short protein forms R1121K, R1143K, R968K, R980K, R990K, R993K, R1003K, R1131K.
Identifiers: ClinVar variation 1516729 (VCV001516729.8), dbSNP rs2131863502, ClinGen allele CA373553820.
Genomic context (GRCh38, chr9:70,552,990, plus strand): 5'-AAGATGATCAGTGGTGGGGGCAGAACTGGCCTTTCATGGAAAGTCATGATGAGCTGATAC[C>T]TCTGAAACTTCCAGACTTGGTTGGATATCGATTTTACTTCAAAAAATGTATTGCTAAAAT-3'
Protein context (NP_001353074.1, residues 1133-1153): SISNQVWKFQ[Arg1143Lys]YQLIMTFHER

ClinVar aggregate classification (germline): Likely pathogenic (1 of 4 stars; one submission).

Submission:

Labcorp Genetics (formerly Invitae), Labcorp
Classification: Likely pathogenic. Last evaluated: 2021-07-06. Review status: criteria provided, single submitter. Criteria: Invitae Variant Classification Sherloc (09022015). Collection method: clinical testing. Allele origin: germline.
Comment: This sequence change replaces arginine with lysine at codon 978 of the TRPM3 protein (p.Arg978Lys). The arginine residue is highly conserved and there is a small physicochemical difference between arginine and lysine. This variant is not present in population databases (ExAC no frequency). This variant has been observed in individual(s) with developmental and epileptic encephalopathy (Invitae). In at least one individual the variant was observed to be de novo. Algorithms developed to predict the effect of missense changes on protein structure and function are either unavailable or do not agree on the potential impact of this missense change (SIFT: "Deleterious"; PolyPhen-2: "Not Available"; Align-GVGD: "Class C25"). In summary, the currently available evidence indicates that the variant is pathogenic, but additional data are needed to prove that conclusively. Therefore, this variant has been classified as Likely Pathogenic.